The following is an entry in ClinVar:

ClinVar aggregate classification (germline): Uncertain significance (1 of 4 stars; one submission).

gnomAD v4.1: 12 of 1,600,448 alleles (0.00075%); highest among the groups gnomAD compares: Non-Finnish European, 0.00094%; no homozygotes.

Submission:

Labcorp Genetics (formerly Invitae), Labcorp
Classification: Uncertain significance. Last evaluated: 2025-01-13. Review status: criteria provided, single submitter. Criteria: Invitae Variant Classification Sherloc (09022015). Collection method: clinical testing. Allele origin: germline.
Comment: This sequence change falls in intron 21 of the ENPP1 gene. It does not directly change the encoded amino acid sequence of the ENPP1 protein. It affects a nucleotide within the consensus splice site. This variant is present in population databases (rs773952395, gnomAD 0.002%). This variant has not been reported in the literature in individuals affected with ENPP1-related conditions. Variants that disrupt the consensus splice site are a relatively common cause of aberrant splicing (PMID: 17576681, 9536098). Algorithms developed to predict the effect of sequence changes on RNA splicing suggest that this variant may disrupt the consensus splice site. In summary, the available evidence is currently insufficient to determine the role of this variant in disease. Therefore, it has been classified as a Variant of Uncertain Significance.

Literature cited by the submitters: PubMed 17576681; PubMed 9536098.

NM_006208.3(ENPP1):c.2230+6T>C

Gene: ENPP1 (ectonucleotide pyrophosphatase/phosphodiesterase 1; plus strand). Cytogenetic location: 6q23.2.
Variant type: single nucleotide variant.
Coding change: c.2230+6T>C on transcript NM_006208.3 (MANE Select); 6 bases into the intron after coding-DNA position 2230, T replaced by C.
Molecular consequence: intron variant.
Genome position (GRCh38, 1-based): chr6:131,882,480, T>C. VCF-style: chr6-131882480-T-C. GRCh37 (hg19) VCF-style: chr6-132203620-T-C.
Identifiers: ClinVar variation 3617521 (VCV003617521.2).